The following is an entry in ClinVar:

ClinVar aggregate classification (germline): Uncertain significance (1 of 4 stars; one submission).

Allele frequency attached by ClinVar (database versions not stated): TOPMed below 0.00001; gnomAD 0.00001.
gnomAD v4.1: 2 of 1,596,090 alleles (0.00013%); highest among the groups gnomAD compares: Admixed American, 0.0018%; no homozygotes.

Submission:

Ambry Genetics
Classification: Uncertain significance. Last evaluated: 2021-09-19. Review status: criteria provided, single submitter. Criteria: Ambry Variant Classification Scheme 2023. Collection method: clinical testing. Allele origin: germline.
Comment: The p.A727V variant (also known as c.2180C>T), located in coding exon 20 of the PRKDC gene, results from a C to T substitution at nucleotide position 2180. The alanine at codon 727 is replaced by valine, an amino acid with similar properties. This amino acid position is conserved. In addition, the in silico prediction for this alteration is inconclusive. Since supporting evidence is limited at this time, the clinical significance of this alteration remains unclear.

NM_006904.7(PRKDC):c.2180C>T (p.Ala727Val)

Gene: PRKDC (protein kinase, DNA-activated, catalytic subunit; minus strand). Cytogenetic location: 8q11.21.
Variant type: single nucleotide variant.
Coding change: c.2180C>T on transcript NM_006904.7 (MANE Select); coding-DNA position 2180, C replaced by T.
Protein change: p.Ala727Val; replaces alanine 727 with valine.
Molecular consequence: missense variant.
Genome position (GRCh38, 1-based): chr8:47,927,850, G>A on the plus strand (C>T on the coding strand, the complement: PRKDC is on the minus strand). VCF-style: chr8-47927850-G-A. GRCh37 (hg19) VCF-style: chr8-48840410-G-A.
Other names: c.2180C>T, p.Ala727Val (NM_001081640.2); short protein forms A727V.
Identifiers: ClinVar variation 1787261 (VCV001787261.2), dbSNP rs1275453572, ClinGen allele CA371162746.